The following is an entry in ClinVar:

ClinVar aggregate classification (germline): Benign (1 of 4 stars; one submission).

Allele frequency attached by ClinVar (database versions not stated): gnomAD exomes 0.16501; gnomAD 0.22442 and 0.22693; TOPMed 0.23443; 1000 Genomes Project 0.27656; 1000 Genomes Project 30x 0.27904.
gnomAD v4.1: 62,383 of 323,150 alleles (19%); highest among the groups gnomAD compares: African/African-American, 39%; 7,504 homozygotes.

Submission:

GeneDx
Classification: Benign. Last evaluated: 2018-06-19. Review status: criteria provided, single submitter. Criteria: GeneDx Variant Classification (06012015). Collection method: clinical testing. Allele origin: germline. Affected: yes.
Comment: This variant is considered likely benign or benign based on one or more of the following criteria: it is a conservative change, it occurs at a poorly conserved position in the protein, it is predicted to be benign by multiple in silico algorithms, and/or has population frequency not consistent with disease.

NM_005506.4(SCARB2):c.613-270C>T

Gene: SCARB2 (scavenger receptor class B member 2; minus strand). Cytogenetic location: 4q21.1.
Variant type: single nucleotide variant.
Coding change: c.613-270C>T on transcript NM_005506.4 (MANE Select); 270 bases into the intron before coding-DNA position 613, C replaced by T.
Molecular consequence: intron variant.
Genome position (GRCh38, 1-based): chr4:76,176,798, G>A on the plus strand (C>T on the coding strand, the complement: SCARB2 is on the minus strand). VCF-style: chr4-76176798-G-A. GRCh37 (hg19) VCF-style: chr4-77097951-G-A.
Other names: c.276-888C>T (NM_001204255.2).
Identifiers: ClinVar variation 668980 (VCV000668980.1), dbSNP rs61598131, ClinGen allele CA15311650.
Genomic context (GRCh38, chr4:76,176,798, plus strand): 5'-GCCTTACAAGCAAAAACAGAGGTTTCTTAGAGGAGGAATTCTCCTCAAGACTGCAACATC[G>A]AAATTCTGCCTGGATTTCCAGGTTGCAGCCCACCCTACAGATTTCAAACTCAAGACCACA-3'